The following is an entry in ClinVar:

ClinVar aggregate classification (germline): Uncertain significance (1 of 4 stars; one submission).

Submission:

Labcorp Genetics (formerly Invitae), Labcorp
Classification: Uncertain significance. Last evaluated: 2022-03-09. Review status: criteria provided, single submitter. Criteria: Invitae Variant Classification Sherloc (09022015). Collection method: clinical testing. Allele origin: germline.
Comment: This variant has not been reported in the literature in individuals affected with DSCAML1-related conditions. In summary, the available evidence is currently insufficient to determine the role of this variant in disease. Therefore, it has been classified as a Variant of Uncertain Significance. Algorithms developed to predict the effect of missense changes on protein structure and function are either unavailable or do not agree on the potential impact of this missense change (SIFT: "Deleterious"; PolyPhen-2: "Possibly Damaging"; Align-GVGD: "Class C0"). This variant is not present in population databases (gnomAD no frequency). This sequence change replaces proline, which is neutral and non-polar, with arginine, which is basic and polar, at codon 417 of the DSCAML1 protein (p.Pro417Arg).

NM_020693.4(DSCAML1):c.1070C>G (p.Pro357Arg)

Gene: DSCAML1 (DS cell adhesion molecule like 1; minus strand). Cytogenetic location: 11q23.3.
Variant type: single nucleotide variant.
Coding change: c.1070C>G on transcript NM_020693.4 (MANE Select); coding-DNA position 1070, C replaced by G.
Protein change: p.Pro357Arg; replaces proline 357 with arginine.
Molecular consequence: missense variant.
Genome position (GRCh38, 1-based): chr11:117,521,273, G>C on the plus strand (C>G on the coding strand, the complement: DSCAML1 is on the minus strand). VCF-style: chr11-117521273-G-C. GRCh37 (hg19) VCF-style: chr11-117391988-G-C.
Other names: c.1070C>G, p.Pro357Arg (NM_001367904.1); c.662C>G, p.Pro221Arg (NM_001367905.1); short protein forms P221R, P357R.
Identifiers: ClinVar variation 2073734 (VCV002073734.4), dbSNP rs777049104, ClinGen allele CA382748119.